The following is an entry in ClinVar:

NM_000130.5(F5):c.2957C>T (p.Thr986Ile)

Gene: F5 (coagulation factor V; minus strand). Cytogenetic location: 1q24.2.
Variant type: single nucleotide variant.
Coding change: c.2957C>T on transcript NM_000130.5 (MANE Select); coding-DNA position 2957, C replaced by T.
Protein change: p.Thr986Ile; replaces threonine 986 with isoleucine.
Molecular consequence: missense variant.
Genome position (GRCh38, 1-based): chr1:169,542,133, G>A on the plus strand (C>T on the coding strand, the complement: F5 is on the minus strand). VCF-style: chr1-169542133-G-A. GRCh37 (hg19) VCF-style: chr1-169511371-G-A.
Other names: short protein forms T986I.
Identifiers: ClinVar variation 2631903 (VCV002631903.4), dbSNP rs1210289722, ClinGen allele CA343119596.
Genomic context (GRCh38, chr1:169,542,133, plus strand): 5'-TGTCTAACTCTAGGAAACTTTGGGTGGCCACTCTGCTTTCCAGGCTTGTTGGCAAGAGGG[G>A]TGCTTTCTCCCCAAGCACGTGAGGCATTCTGGGGGCTGATCAGCCAATTGTTAACAGCTG-3'
Protein context (NP_000121.2, residues 976-996): QNASRAWGES[Thr986Ile]PLANKPGKQS

ClinVar aggregate classification (germline): Uncertain significance. Review status: criteria provided, multiple submitters, no conflicts (2 of 4 stars). 2 submissions from 2 submitters: Uncertain significance (2). Last evaluated 2024-01-10.

Conditions:
F5-related disorder. Also called: F5-related condition.
Congenital factor V deficiency. Also called: LABILE FACTOR DEFICIENCY; OWREN PARAHEMOPHILIA; PARAHEMOPHILIA; Hereditary factor V deficiency disease. Identifiers: Orphanet 326, MedGen C0015499, MONDO:0009210, OMIM 227400.

gnomAD v4.1: 1 of 1,614,042 alleles (0.000062%); highest among the groups gnomAD compares: South Asian, 0.0011%; no homozygotes.

Submissions (2):

Labcorp Genetics (formerly Invitae), Labcorp
Classification: Uncertain significance for Congenital factor V deficiency. Last evaluated: 2024-01-10. Review status: criteria provided, single submitter. Criteria: Invitae Variant Classification Sherloc (09022015). Collection method: clinical testing. Allele origin: germline.
Comment: This sequence change replaces threonine, which is neutral and polar, with isoleucine, which is neutral and non-polar, at codon 986 of the F5 protein (p.Thr986Ile). This variant is present in population databases (no rsID available, gnomAD 0.0009%). This variant has not been reported in the literature in individuals affected with F5-related conditions. ClinVar contains an entry for this variant (Variation ID: 2631903). Advanced modeling of protein sequence and biophysical properties (such as structural, functional, and spatial information, amino acid conservation, physicochemical variation, residue mobility, and thermodynamic stability) performed at Invitae indicates that this missense variant is not expected to disrupt F5 protein function with a negative predictive value of 80%. In summary, the available evidence is currently insufficient to determine the role of this variant in disease. Therefore, it has been classified as a Variant of Uncertain Significance.

PreventionGenetics, part of Exact Sciences
Classification: Uncertain significance for F5-related condition. Last evaluated: 2022-12-21. Review status: criteria provided, single submitter. Criteria: ACMG Guidelines, 2015. Collection method: clinical testing. Allele origin: germline.
Comment: The F5 c.2957C>T variant is predicted to result in the amino acid substitution p.Thr986Ile. To our knowledge, this variant has not been reported in the literature. This variant is reported in 0.00088% of alleles in individuals of European (Non-Finnish) descent in gnomAD. At this time, the clinical significance of this variant is uncertain due to the absence of conclusive functional and genetic evidence.